The following is an entry in ClinVar:

NM_001130144.3(LTBP3):c.2434C>T (p.Leu812Phe)

Gene: LTBP3 (latent transforming growth factor beta binding protein 3; minus strand). Cytogenetic location: 11q13.1.
Variant type: single nucleotide variant.
Coding change: c.2434C>T on transcript NM_001130144.3 (MANE Select); coding-DNA position 2434, C replaced by T.
Protein change: p.Leu812Phe; replaces leucine 812 with phenylalanine.
Molecular consequence: missense variant.
Genome position (GRCh38, 1-based): chr11:65,543,469, G>A on the plus strand (C>T on the coding strand, the complement: LTBP3 is on the minus strand). VCF-style: chr11-65543469-G-A. GRCh37 (hg19) VCF-style: chr11-65310940-G-A.
Other names: c.2083C>T, p.Leu695Phe (NM_001164266.1); c.2434C>T, p.Leu812Phe (NM_021070.4); c.2434C>T (NM_001130144.2); short protein forms L695F, L812F.
Identifiers: ClinVar variation 2168120 (VCV002168120.5), dbSNP rs557226808, ClinGen allele CA381269280.

ClinVar aggregate classification (germline): Uncertain significance. Review status: criteria provided, multiple submitters, no conflicts (2 of 4 stars). 2 submissions from 2 submitters: Uncertain significance (2). Last evaluated 2025-11-03.

Conditions:
Brachyolmia-amelogenesis imperfecta syndrome. Also called: PLATYSPONDYLY WITH AMELOGENESIS IMPERFECTA; Tooth agenesis, selective, 6; Dental anomalies and short stature. Identifiers: Orphanet 2899, MedGen C1832594, MONDO:0011018, OMIM 601216. Disease mechanism: loss of function.
Inborn genetic diseases. Identifiers: MedGen C0950123, MeSH D030342.

Submissions (2):

Ambry Genetics
Classification: Uncertain significance for Inborn genetic diseases. Last evaluated: 2025-11-03. Review status: criteria provided, single submitter. Criteria: Ambry Variant Classification Scheme 2023. Collection method: clinical testing. Allele origin: germline.

Labcorp Genetics (formerly Invitae), Labcorp
Classification: Uncertain significance for Brachyolmia-amelogenesis imperfecta syndrome. Last evaluated: 2025-04-21. Review status: criteria provided, single submitter. Criteria: Invitae Variant Classification Sherloc (09022015). Collection method: clinical testing. Allele origin: germline.
Comment: This sequence change replaces leucine, which is neutral and non-polar, with phenylalanine, which is neutral and non-polar, at codon 812 of the LTBP3 protein (p.Leu812Phe). This variant is not present in population databases (gnomAD no frequency). This variant has not been reported in the literature in individuals affected with LTBP3-related conditions. ClinVar contains an entry for this variant (Variation ID: 2168120). An algorithm developed to predict the effect of missense changes on protein structure and function (PolyPhen-2) suggests that this variant is likely to be disruptive. In summary, the available evidence is currently insufficient to determine the role of this variant in disease. Therefore, it has been classified as a Variant of Uncertain Significance.